The following is an entry in ClinVar:

ClinVar aggregate classification (germline): Pathogenic/Likely pathogenic. Review status: criteria provided, multiple submitters, no conflicts (2 of 4 stars). 3 submissions from 3 submitters: Pathogenic (1); Likely pathogenic (1). 1 of the submissions does not count toward it. Last evaluated 2023-05-30.

Conditions:
Intestinal hypomagnesemia 1. Also called: HYPOMAGNESEMIA, INTESTINAL, WITH SECONDARY HYPOCALCEMIA; HYPOMAGNESEMIC TETANY. Identifiers: Orphanet 30924, MedGen C1865974, MONDO:0011176, OMIM 602014.

Allele frequency attached by ClinVar (database versions not stated): gnomAD exomes 0.00001 and 0.00002.
gnomAD v4.1: 24 of 1,613,866 alleles (0.0015%); highest among the groups gnomAD compares: Admixed American, 0.0033%; no homozygotes.

Submissions (3):

Labcorp Genetics (formerly Invitae), Labcorp
Classification: Pathogenic. Last evaluated: 2023-05-30. Review status: criteria provided, single submitter. Criteria: Invitae Variant Classification Sherloc (09022015). Collection method: clinical testing. Allele origin: germline.
Comment: For these reasons, this variant has been classified as Pathogenic. ClinVar contains an entry for this variant (Variation ID: 3582). This premature translational stop signal has been observed in individual(s) with primary hypomagnesemia and secondary hypocalcemia (PMID: 12032570). This variant is present in population databases (rs121912624, gnomAD 0.006%). This sequence change creates a premature translational stop signal (p.Arg56*) in the TRPM6 gene. It is expected to result in an absent or disrupted protein product. Loss-of-function variants in TRPM6 are known to be pathogenic (PMID: 16107578).

Neuberg Centre For Genomic Medicine, NCGM
Classification: Likely pathogenic for Intestinal hypomagnesemia 1. Last evaluated: 2023-05-20. Review status: criteria provided, single submitter. Criteria: ACMG Guidelines, 2015. Collection method: clinical testing. Allele origin: germline. Inheritance: Autosomal recessive inheritance. Affected: yes.
Comment: The observed stop gained c.166C>T(p.Arg56Ter) variant in TRPM6 gene has been reported previously in homozygous or compound heterozygous state in individual(s) affected with Primary hypomagnesemia with secondary hypocalcemia (HSH) (Astor et al., 2015). This variant is reported with the allele frequency of 0.0008% in the gnomAD Exomes. This variant has been reported to the ClinVar database as Pathogenic. This variant is predicted to cause loss of normal protein function either through protein truncation or nonsense-mediated mRNA decay. It is expected to result in an absent or disrupted protein product. Loss-of-function variants in TRPM6 are known to be pathogenic (Schlingmann et al., 2005). Computational evidence (MutationTaster - Disease causing automatic) predicts damaging effect on protein structure and function for this variant. For these reasons, this variant has been classified as Likely Pathogenic.

OMIM
Classification: Pathogenic for HYPOMAGNESEMIA WITH SECONDARY HYPOCALCEMIA. Last evaluated: 2002-06-01. Review status: no assertion criteria provided. Collection method: literature only. Allele origin: germline. Not counted in ClinVar's aggregate classification.

Literature cited by the submitters: PubMed 12032570 (cited by Labcorp Genetics (formerly Invitae), Labcorp and OMIM); PubMed 16107578 (cited by Labcorp Genetics (formerly Invitae), Labcorp).

NM_017662.5(TRPM6):c.166C>T (p.Arg56Ter)

Gene: TRPM6 (transient receptor potential cation channel subfamily M member 6; minus strand). Cytogenetic location: 9q21.13.
Variant type: single nucleotide variant.
Coding change: c.166C>T on transcript NM_017662.5 (MANE Select); coding-DNA position 166, C replaced by T.
Protein change: p.Arg56Ter; replaces arginine 56 with a stop codon.
Molecular consequence: nonsense.
Genome position (GRCh38, 1-based): chr9:74,842,330, G>A on the plus strand (C>T on the coding strand, the complement: TRPM6 is on the minus strand). VCF-style: chr9-74842330-G-A. GRCh37 (hg19) VCF-style: chr9-77457246-G-A.
Other names: c.151C>T, p.Arg51Ter (NM_001177310.2, NM_001177311.2); short protein forms R56*, R51*.
Identifiers: ClinVar variation 3582 (VCV000003582.8), dbSNP rs121912624, ClinGen allele CA116372.